The following is an entry in ClinVar:

NM_020987.5(ANK3):c.11633C>T (p.Pro3878Leu)

Gene: ANK3 (ankyrin 3; minus strand). Cytogenetic location: 10q21.2.
Variant type: single nucleotide variant.
Coding change: c.11633C>T on transcript NM_020987.5 (MANE Select); coding-DNA position 11633, C replaced by T.
Protein change: p.Pro3878Leu; replaces proline 3878 with leucine.
Molecular consequence: missense variant. On other transcripts: intron variant (4).
Genome position (GRCh38, 1-based): chr10:60,069,248, G>A on the plus strand (C>T on the coding strand, the complement: ANK3 is on the minus strand). VCF-style: chr10-60069248-G-A. GRCh37 (hg19) VCF-style: chr10-61829006-G-A.
Other names: c.4388-1239C>T (NM_001204403.2); c.4409-1239C>T (NM_001204404.2); c.4406-1239C>T (NM_001320874.2); c.1808-1239C>T (NM_001149.4); short protein forms P3878L.
Identifiers: ClinVar variation 2701620 (VCV002701620.3), dbSNP rs753452693, ClinGen allele CA5511061.
Genomic context (GRCh38, chr10:60,069,248, plus strand): 5'-GTTTTCTCGGATTGACTAACCTGCTTCATTTTACTTGCTTTAGTGTTTGACATATGGTTC[G>A]GTGGGAAGGTATCTTTTGGTGAAGTGGCCTTTATGGGAAGTTTGGATTTTTGCCTAATCC-3'
Protein context (NP_066267.2, residues 3868-3888): KATSPKDTFP[Pro3878Leu]NHMSNTKASK

ClinVar aggregate classification (germline): Uncertain significance (1 of 4 stars; one submission).

Allele frequency attached by ClinVar (database versions not stated): ExAC 0.00002; gnomAD 0.00002; gnomAD exomes 0.00005; TOPMed 0.00005.
gnomAD v4.1: 67 of 1,614,000 alleles (0.0042%); highest among the groups gnomAD compares: Non-Finnish European, 0.0052%; no homozygotes.

Submission:

Labcorp Genetics (formerly Invitae), Labcorp
Classification: Uncertain significance. Last evaluated: 2023-11-19. Review status: criteria provided, single submitter. Criteria: Invitae Variant Classification Sherloc (09022015). Collection method: clinical testing. Allele origin: germline.
Comment: This sequence change replaces proline, which is neutral and non-polar, with leucine, which is neutral and non-polar, at codon 3878 of the ANK3 protein (p.Pro3878Leu). This variant is present in population databases (rs753452693, gnomAD 0.007%). This variant has not been reported in the literature in individuals affected with ANK3-related conditions. Advanced modeling of protein sequence and biophysical properties (such as structural, functional, and spatial information, amino acid conservation, physicochemical variation, residue mobility, and thermodynamic stability) performed at Invitae indicates that this missense variant is not expected to disrupt ANK3 protein function with a negative predictive value of 80%. In summary, the available evidence is currently insufficient to determine the role of this variant in disease. Therefore, it has been classified as a Variant of Uncertain Significance.